The following is an entry in ClinVar:

ClinVar aggregate classification (germline): Pathogenic (1 of 4 stars; one submission).

Submission:

Labcorp Genetics (formerly Invitae), Labcorp
Classification: Pathogenic. Last evaluated: 2022-04-19. Review status: criteria provided, single submitter. Criteria: Invitae Variant Classification Sherloc (09022015). Collection method: clinical testing. Allele origin: germline.
Comment: This sequence change creates a premature translational stop signal (p.Glu1403Glyfs*287) in the KMT2B gene. It is expected to result in an absent or disrupted protein product. Loss-of-function variants in KMT2B are known to be pathogenic (PMID: 27839873, 27992417). This variant is not present in population databases (gnomAD no frequency). This variant has not been reported in the literature in individuals affected with KMT2B-related conditions. For these reasons, this variant has been classified as Pathogenic.

Literature cited by the submitters: PubMed 27839873; PubMed 27992417.

NM_014727.3(KMT2B):c.4171_4207dup (p.Glu1403fs)

Gene: KMT2B (lysine methyltransferase 2B; plus strand). Cytogenetic location: 19q13.12.
Variant type: Duplication.
Coding change: c.4171_4207dup on transcript NM_014727.3 (MANE Select); coding-DNA positions 4171 to 4207, 37 bases duplicated.
Protein change: p.Glu1403fs; shifts the reading frame from glutamic acid 1403.
Molecular consequence: frameshift variant.
Genome position (GRCh38, 1-based): chr19:35,727,491-35,727,527, 37 bases duplicated. GRCh37 (hg19): chr19:36,218,392-36,218,428.
Other names: short protein forms E1403fs.
Identifiers: ClinVar variation 2127890 (VCV002127890.4), dbSNP rs2513337093, ClinGen allele CA2580096823.